The following is an entry in ClinVar:

ClinVar aggregate classification (germline): Uncertain significance (1 of 4 stars; one submission).

Conditions:
Developmental and epileptic encephalopathy, 7 (DEE7). Also called: KCNQ2-Related Neonatal-Onset Developmental and Epileptic Encephalopathy (NEO-DEE); Early infantile epileptic encephalopathy 7; KCNQ2-Related Neonatal Epileptic Encephalopathy. Identifiers: Orphanet 439218, MedGen C3150986, MONDO:0013387, OMIM 613720.

Submission:

3billion
Classification: Uncertain significance for Developmental and epileptic encephalopathy, 7. Last evaluated: 2025-08-04. Review status: criteria provided, single submitter. Criteria: ACMG Guidelines, 2015. Collection method: clinical testing. Allele origin: germline. Affected: yes.
Comment: The variant is not observed in the gnomAD v4.1.0 dataset. Predicted Consequence/Location: Missense variant In silico tool predictions suggest damaging effect of the variant on gene or gene product [REVEL: 0.94 (>=0.6, sensitivity 0.68 and specificity 0.92); 3Cnet: 1.00 (> 0.75, sensitivity 0.96 and precision 0.92)]. A different missense change at the same codon (p.Val175Leu) has been reported as pathogenic/likely pathogenic with strong evidence (ClinVar ID: VCV000369748, VCV002138369 /PMID: 23692823, 25092550). Therefore, this variant is classified as VUS according to the recommendation of ACMG/AMP guideline.

Literature cited by the submitters: PubMed 23692823.

NM_172107.4(KCNQ2):c.523G>A (p.Val175Met)

Gene: KCNQ2 (potassium voltage-gated channel subfamily Q member 2; minus strand). Cytogenetic location: 20q13.33.
Variant type: single nucleotide variant.
Coding change: c.523G>A on transcript NM_172107.4 (MANE Select); coding-DNA position 523, G replaced by A.
Protein change: p.Val175Met; replaces valine 175 with methionine.
Molecular consequence: missense variant.
Genome position (GRCh38, 1-based): chr20:63,444,826, C>T on the plus strand (G>A on the coding strand, the complement: KCNQ2 is on the minus strand). VCF-style: chr20-63444826-C-T. GRCh37 (hg19) VCF-style: chr20-62076179-C-T.
Other names: c.523G>A, p.Val175Met (NM_001382235.1, NM_001439003.1, NM_001439004.1 and 4 more transcripts); short protein forms V175M.
Identifiers: ClinVar variation 4855142 (VCV004855142.1).
Genomic context (GRCh38, chr20:63,444,826, plus strand): 5'-ATGTGGCAAAGACGTTGCCCTGGGAGCCGGCGGCCAGCACCGCAATGGAGGCGATGAGCA[C>T]CATGATGTCTACAAAGCGGGCGTGGAGCTGGTGAGCTGCTGGGCCGCTCCCCGCACCCCC-3'
Protein context (NP_742105.1, residues 165-185): RKPFCVIDIM[Val175Met]LIASIAVLAA